The following is an entry in ClinVar:

ClinVar aggregate classification (germline): Uncertain significance. Review status: criteria provided, multiple submitters, no conflicts (2 of 4 stars). 3 submissions from 3 submitters: Uncertain significance (3). Last evaluated 2024-05-07.

Conditions:
Inborn genetic diseases. Identifiers: MedGen C0950123, MeSH D030342.
Adams-Oliver syndrome 2 (AOS2). Identifiers: Orphanet 974, MedGen C3280182, MONDO:0013635, OMIM 614219.

Allele frequency attached by ClinVar (database versions not stated): ESP Exome Variant Server 0.00016.
gnomAD v4.1: 309 of 1,613,390 alleles (0.019%); highest among the groups gnomAD compares: Non-Finnish European, 0.024%; 1 homozygote.

Submissions (3):

Ambry Genetics
Classification: Uncertain significance for Inborn genetic diseases. Last evaluated: 2024-05-07. Review status: criteria provided, single submitter. Criteria: Ambry Variant Classification Scheme 2023. Collection method: clinical testing. Allele origin: germline.

Fulgent Genetics
Classification: Uncertain significance for Adams-Oliver syndrome 2. Last evaluated: 2024-02-13. Review status: criteria provided, single submitter. Criteria: ACMG Guidelines, 2015. Collection method: clinical testing. Allele origin: germline.

Labcorp Genetics (formerly Invitae), Labcorp
Classification: Uncertain significance. Last evaluated: 2022-07-23. Review status: criteria provided, single submitter. Criteria: Invitae Variant Classification Sherloc (09022015). Collection method: clinical testing. Allele origin: germline.
Comment: This sequence change replaces glutamine, which is neutral and polar, with lysine, which is basic and polar, at codon 1280 of the DOCK6 protein (p.Gln1280Lys). This variant is present in population databases (rs370388319, gnomAD 0.01%). This variant has not been reported in the literature in individuals affected with DOCK6-related conditions. Algorithms developed to predict the effect of missense changes on protein structure and function (SIFT, PolyPhen-2, Align-GVGD) all suggest that this variant is likely to be tolerated. In summary, the available evidence is currently insufficient to determine the role of this variant in disease. Therefore, it has been classified as a Variant of Uncertain Significance.

NM_020812.4(DOCK6):c.3838C>A (p.Gln1280Lys)

Genes: DOCK6 (dedicator of cytokinesis 6; minus strand), DOCK6-AS1 (DOCK6 antisense RNA 1; plus strand). Cytogenetic location: 19p13.2.
Variant type: single nucleotide variant.
Coding change: c.3838C>A on transcript NM_020812.4 (MANE Select); coding-DNA position 3838, C replaced by A.
Protein change: p.Gln1280Lys; replaces glutamine 1280 with lysine.
Molecular consequence: missense variant.
Genome position (GRCh38, 1-based): chr19:11,216,970, G>T on the plus strand (C>A on the coding strand, the complement: DOCK6 is on the minus strand). VCF-style: chr19-11216970-G-T. GRCh37 (hg19) VCF-style: chr19-11327646-G-T.
Other names: c.3943C>A, p.Gln1315Lys (NM_001367830.1); short protein forms Q1280K, Q1315K.
Identifiers: ClinVar variation 2048395 (VCV002048395.4), dbSNP rs370388319, ClinGen allele CA9207111.